The following is an entry in ClinVar:

NM_206933.4(USH2A):c.10060G>C (p.Val3354Leu)

Gene: USH2A (usherin; minus strand). Cytogenetic location: 1q41.
Variant type: single nucleotide variant.
Coding change: c.10060G>C on transcript NM_206933.4 (MANE Select); coding-DNA position 10060, G replaced by C.
Protein change: p.Val3354Leu; replaces valine 3354 with leucine.
Molecular consequence: missense variant.
Genome position (GRCh38, 1-based): chr1:215,790,181, C>G on the plus strand (G>C on the coding strand, the complement: USH2A is on the minus strand). VCF-style: chr1-215790181-C-G. GRCh37 (hg19) VCF-style: chr1-215963523-C-G.
Other names: short protein forms V3354L.
Identifiers: ClinVar variation 971714 (VCV000971714.9), dbSNP rs1661942086, ClinGen allele CA344844127.

ClinVar aggregate classification (germline): Uncertain significance (1 of 4 stars; one submission).

Submission:

Labcorp Genetics (formerly Invitae), Labcorp
Classification: Uncertain significance. Last evaluated: 2019-10-28. Review status: criteria provided, single submitter. Criteria: Invitae Variant Classification Sherloc (09022015). Collection method: clinical testing. Allele origin: germline.
Comment: This sequence change replaces valine with leucine at codon 3354 of the USH2A protein (p.Val3354Leu). The valine residue is highly conserved and there is a small physicochemical difference between valine and leucine. This variant is not present in population databases (ExAC no frequency). This variant has not been reported in the literature in individuals with USH2A-related conditions. Algorithms developed to predict the effect of missense changes on protein structure and function output the following: SIFT: "Tolerated"; PolyPhen-2: "Benign"; Align-GVGD: "Class C0". The leucine amino acid residue is found in multiple mammalian species, suggesting that this missense change does not adversely affect protein function. These predictions have not been confirmed by published functional studies and their clinical significance is uncertain. In summary, the available evidence is currently insufficient to determine the role of this variant in disease. Therefore, it has been classified as a Variant of Uncertain Significance.